The following is an entry in ClinVar:

NM_000478.6(ALPL):c.1378G>A (p.Ala460Thr)

Gene: ALPL (alkaline phosphatase, biomineralization associated; plus strand). Cytogenetic location: 1p36.12.
Variant type: single nucleotide variant.
Coding change: c.1378G>A on transcript NM_000478.6 (MANE Select); coding-DNA position 1378, G replaced by A.
Protein change: p.Ala460Thr; replaces alanine 460 with threonine.
Molecular consequence: missense variant.
Genome position (GRCh38, 1-based): chr1:21,577,451, G>A. VCF-style: chr1-21577451-G-A. GRCh37 (hg19) VCF-style: chr1-21903944-G-A.
Other names: c.1213G>A, p.Ala405Thr (NM_001127501.4); c.1147G>A, p.Ala383Thr (NM_001177520.3); c.1378G>A, p.Ala460Thr (NM_001369803.2, NM_001369804.2, NM_001369805.2); short protein forms A383T, A405T, A460T.
Identifiers: ClinVar variation 4086899 (VCV004086899.1).

ClinVar aggregate classification (germline): Uncertain significance (1 of 4 stars; one submission).

Conditions:
Hypophosphatasia. Also called: Phosphoethanol-aminuria. Identifiers: Orphanet 436, MedGen C0020630, MeSH D007014, MONDO:0018570.

Submission:

Genomenon, Inc
Classification: Uncertain significance for Hypophosphatasia. Last evaluated: 2025-08-29. Review status: criteria provided, single submitter. Criteria: Genomenon Sequence Variant Interpretation Standards. Collection method: curation. Allele origin: germline. Affected: yes.
Comment: ALPL c.1378G>A is a missense variant that changes the amino acid at residue 460 from Alanine to Threonine. This variant has been observed in at least one proband affected with hypophosphatasia (PMID:28547134). It is absent or not present at a significant frequency in gnomAD. In silico models agree that this variant is possibly or probably damaging. In conclusion, we classify ALPL p.Ala460Thr (c.1378G>A) as a variant of unknown significance.

Literature cited by the submitters: PubMed 28547134.